The following is an entry in ClinVar:

NM_005515.4(MNX1):c.383_384insTGCCGCCGCCGCCGCCGCCGC (p.Ala134_Gly135insAlaAlaAlaAlaAlaAlaAla)

Gene: MNX1 (motor neuron and pancreas homeobox 1; minus strand). Cytogenetic location: 7q36.3.
Variant type: Microsatellite.
Coding change: c.383_384insTGCCGCCGCCGCCGCCGCCGC on transcript NM_005515.4 (MANE Select); coding-DNA positions 383 to 384, TGCCGCCGCCGCCGCCGCCGC inserted.
Protein change: p.Ala134_Gly135insAlaAlaAlaAlaAlaAlaAla.
Molecular consequence: inframe insertion.
Genome position: GRCh38 VCF-style: chr7-157009967-G-GGCGGCGGCGGCGGCGGCGGCA. GRCh37 (hg19) VCF-style: chr7-156802661-G-GGCGGCGGCGGCGGCGGCGGCA.
Identifiers: ClinVar variation 2016640 (VCV002016640.4), dbSNP rs1805680793.

ClinVar aggregate classification (germline): Uncertain significance (1 of 4 stars; one submission).

Submission:

Labcorp Genetics (formerly Invitae), Labcorp
Classification: Uncertain significance. Last evaluated: 2024-08-12. Review status: criteria provided, single submitter. Criteria: Invitae Variant Classification Sherloc (09022015). Collection method: clinical testing. Allele origin: germline.
Comment: This variant, c.383_384ins21, results in the insertion of 7 amino acid(s) of the MNX1 protein (p.Ala128_Ala134dup), but otherwise preserves the integrity of the reading frame. The frequency data for this variant in the population databases is considered unreliable, as metrics indicate insufficient coverage at this position in the gnomAD database. This variant has not been reported in the literature in individuals affected with MNX1-related conditions. Experimental studies and prediction algorithms are not available or were not evaluated, and the functional significance of this variant is currently unknown. In summary, the available evidence is currently insufficient to determine the role of this variant in disease. Therefore, it has been classified as a Variant of Uncertain Significance.